The following is an entry in ClinVar:

NM_004387.4(NKX2-5):c.510_511dup (p.Leu171fs)

Gene: NKX2-5 (NK2 homeobox 5; minus strand). Cytogenetic location: 5q35.1.
Variant type: Duplication.
Coding change: c.510_511dup on transcript NM_004387.4 (MANE Select); coding-DNA positions 510 to 511, 2 bases duplicated (GC; older notation c.510_511dupGC).
Protein change: p.Leu171fs; shifts the reading frame from leucine 171.
Molecular consequence: frameshift variant. On other transcripts: 3 prime UTR variant (2).
Genome position (GRCh38, 1-based): chr5:173,233,033-173,233,034, GC duplicated on the plus strand (GC on the coding strand, the reverse complement: NKX2-5 is on the minus strand). VCF-style (leftmost placement, unchanged base first): chr5-173233032-A-AGC. GRCh37 (hg19) VCF-style: chr5-172660035-A-AGC.
Other names: c.*463_*464dup (NM_001166175.2); c.*309_*310dup (NM_001166176.2); short protein forms L171fs.
Identifiers: ClinVar variation 3897184 (VCV003897184.1).

ClinVar aggregate classification (germline): Likely pathogenic (1 of 4 stars; one submission).

Submission:

GeneDx
Classification: Likely pathogenic. Last evaluated: 2024-10-31. Review status: criteria provided, single submitter. Criteria: GeneDx Variant Classification Process June 2021. Collection method: clinical testing. Allele origin: germline. Affected: yes.
Comment: Published functional studies demonstrate a damaging effect through disrupted cellular localization and destroyed transcriptional activity (PMID: 20932824); Frameshift variant predicted to result in abnormal protein length as the last 154 amino acids are replaced with 5 different amino acids with an unclear effect on protein function; Not observed at significant frequency in large population cohorts (gnomAD); This variant is associated with the following publications: (PMID: 30479953, 20932824)